The following is an entry in ClinVar:

ClinVar aggregate classification (germline): Uncertain significance (1 of 4 stars; one submission).

Submission:

Labcorp Genetics (formerly Invitae), Labcorp
Classification: Uncertain significance. Last evaluated: 2023-06-05. Review status: criteria provided, single submitter. Criteria: Invitae Variant Classification Sherloc (09022015). Collection method: clinical testing. Allele origin: germline.
Comment: This variant is not present in population databases (gnomAD no frequency). In summary, the available evidence is currently insufficient to determine the role of this variant in disease. Therefore, it has been classified as a Variant of Uncertain Significance. An algorithm developed to predict the effect of missense changes on protein structure and function (PolyPhen-2) suggests that this variant is likely to be tolerated. This variant has not been reported in the literature in individuals affected with ATR-related conditions. This sequence change replaces phenylalanine, which is neutral and non-polar, with valine, which is neutral and non-polar, at codon 707 of the ATR protein (p.Phe707Val).

NM_001184.4(ATR):c.2119T>G (p.Phe707Val)

Gene: ATR (ATR checkpoint kinase; minus strand). Cytogenetic location: 3q23.
Variant type: single nucleotide variant.
Coding change: c.2119T>G on transcript NM_001184.4 (MANE Select); coding-DNA position 2119, T replaced by G.
Protein change: p.Phe707Val; replaces phenylalanine 707 with valine.
Molecular consequence: missense variant.
Genome position (GRCh38, 1-based): chr3:142,556,099, A>C on the plus strand (T>G on the coding strand, the complement: ATR is on the minus strand). VCF-style: chr3-142556099-A-C. GRCh37 (hg19) VCF-style: chr3-142274941-A-C.
Other names: c.1927T>G, p.Phe643Val (NM_001354579.2); short protein forms F643V, F707V.
Identifiers: ClinVar variation 2769681 (VCV002769681.3), dbSNP rs2108471665, ClinGen allele CA354818951.